The following is an entry in ClinVar:

NM_001365308.1(BMPER):c.646C>T (p.Pro216Ser)

Gene: BMPER (BMP binding endothelial regulator; plus strand). Cytogenetic location: 7p14.3.
Variant type: single nucleotide variant.
Coding change: c.646C>T on transcript NM_001365308.1 (MANE Select); coding-DNA position 646, C replaced by T.
Protein change: p.Pro216Ser; replaces proline 216 with serine.
Molecular consequence: missense variant.
Genome position (GRCh38, 1-based): chr7:34,046,375, C>T. VCF-style: chr7-34046375-C-T. GRCh37 (hg19) VCF-style: chr7-34085987-C-T.
Other names: c.646C>T, p.Pro216Ser (NM_001410872.1, NM_133468.5); short protein forms P216S.
Identifiers: ClinVar variation 2122851 (VCV002122851.1), dbSNP rs746039959, ClinGen allele CA4215150.

ClinVar aggregate classification (germline): Uncertain significance (1 of 4 stars; one submission).

Allele frequency attached by ClinVar (database versions not stated): ExAC 0.00001; gnomAD 0.00001; TOPMed 0.00001.

Submission:

Labcorp Genetics (formerly Invitae), Labcorp
Classification: Uncertain significance. Last evaluated: 2022-09-07. Review status: criteria provided, single submitter. Criteria: Invitae Variant Classification Sherloc (09022015). Collection method: clinical testing. Allele origin: germline.
Comment: This sequence change replaces proline, which is neutral and non-polar, with serine, which is neutral and polar, at codon 216 of the BMPER protein (p.Pro216Ser). This variant is present in population databases (rs746039959, gnomAD 0.0009%). This variant has not been reported in the literature in individuals affected with BMPER-related conditions. Algorithms developed to predict the effect of missense changes on protein structure and function are either unavailable or do not agree on the potential impact of this missense change (SIFT: "Deleterious"; PolyPhen-2: "Benign"; Align-GVGD: "Class C65"). In summary, the available evidence is currently insufficient to determine the role of this variant in disease. Therefore, it has been classified as a Variant of Uncertain Significance.